The following is an entry in ClinVar:

NM_002471.4(MYH6):c.530+6C>T

Genes: MYH6 (myosin heavy chain 6; minus strand), LOC114827851 (VISTA enhancer hs2155; plus strand). Cytogenetic location: 14q11.2.
Variant type: single nucleotide variant.
Coding change: c.530+6C>T on transcript NM_002471.4 (MANE Select); 6 bases into the intron after coding-DNA position 530, C replaced by T.
Molecular consequence: intron variant.
Genome position (GRCh38, 1-based): chr14:23,405,094, G>A on the plus strand (C>T on the coding strand, the complement: MYH6 is on the minus strand). VCF-style: chr14-23405094-G-A. GRCh37 (hg19) VCF-style: chr14-23874303-G-A.
Identifiers: ClinVar variation 537958 (VCV000537958.12), dbSNP rs374289431, ClinGen allele CA7116132.

ClinVar aggregate classification (germline): Uncertain significance. Review status: criteria provided, multiple submitters, no conflicts (2 of 4 stars). 4 submissions from 4 submitters: Uncertain significance (4). Last evaluated 2026-04-28.

Conditions:
MYH6-related disorder. Also called: MYH6-Related Disorders; MYH6-related condition.
Hypertrophic cardiomyopathy 14. Identifiers: MedGen C2750467, MONDO:0013197, OMIM 613251.
Dilated cardiomyopathy 1EE (CMD1EE). Identifiers: Orphanet 154, MedGen C2750466, MONDO:0013198, OMIM 613252.
Atrial septal defect 3 (ASD3). Identifiers: Orphanet 1478, MedGen C3279790, MONDO:0013567, OMIM 614089.
Hypertrophic cardiomyopathy 1 (CMH1). Also called: Familial hypertrophic cardiomyopathy 1; MYH7-Related Familial Hypertrophic Cardiomyopathy. Identifiers: MedGen C3495498, MONDO:0008647, OMIM 192600.
Sick sinus syndrome 3, susceptibility to (SSS3). Identifiers: Orphanet 166282, MedGen C3279791, MONDO:0013568, OMIM 614090.

Allele frequency attached by ClinVar (database versions not stated): ExAC 0.00002; TOPMed 0.00002; gnomAD exomes 0.00003 and 0.00001; ESP Exome Variant Server 0.00015; gnomAD 0.00001.
gnomAD v4.1: 21 of 1,613,930 alleles (0.0013%); highest among the groups gnomAD compares: Admixed American, 0.0017%; no homozygotes.

Submissions (4):

PreventionGenetics, part of Exact Sciences
Classification: Uncertain significance for MYH6-related condition. Last evaluated: 2026-04-28. Review status: criteria provided, single submitter. Criteria: ACMG Guidelines, 2015. Collection method: clinical testing. Allele origin: germline.
Comment: The MYH6 c.530+6C>T variant is predicted to interfere with splicing. This variant is predicted to alter splicing based on available splicing prediction programs (SpliceAI, Jaganathan et al. 2019. PubMed ID: 30661751). However, the use of computer prediction programs is not equivalent to functional evidence. To our knowledge, this variant has not been reported in the literature. This variant is reported in 0.0099% of alleles in individuals of Ashkenazi Jewish descent in gnomAD. At this time, the clinical significance of this variant is uncertain due to the absence of conclusive functional and genetic evidence.

Labcorp Genetics (formerly Invitae), Labcorp
Classification: Uncertain significance for Hypertrophic cardiomyopathy 14. Last evaluated: 2025-09-01. Review status: criteria provided, single submitter. Criteria: Invitae Variant Classification Sherloc (09022015). Collection method: clinical testing. Allele origin: germline.
Comment: This sequence change falls in intron 6 of the MYH6 gene. It does not directly change the encoded amino acid sequence of the MYH6 protein. It affects a nucleotide within the consensus splice site. This variant is present in population databases (rs374289431, gnomAD 0.01%). This variant has not been reported in the literature in individuals affected with MYH6-related conditions. ClinVar contains an entry for this variant (Variation ID: 537958). Variants that disrupt the consensus splice site are a relatively common cause of aberrant splicing (PMID: 17576681, 9536098). Algorithms developed to predict the effect of sequence changes on RNA splicing suggest that this variant may create or strengthen a splice site. In summary, the available evidence is currently insufficient to determine the role of this variant in disease. Therefore, it has been classified as a Variant of Uncertain Significance.

Fulgent Genetics
Classification: Uncertain significance for Hypertrophic cardiomyopathy 1; Hypertrophic cardiomyopathy 14; Dilated cardiomyopathy 1EE; Atrial septal defect 3; Sick sinus syndrome 3, susceptibility to. Last evaluated: 2021-09-13. Review status: criteria provided, single submitter. Criteria: ACMG Guidelines, 2015. Collection method: clinical testing. Allele origin: unknown.

GeneDx
Classification: Uncertain significance. Last evaluated: 2019-10-18. Review status: criteria provided, single submitter. Criteria: GeneDx Variant Classification Process June 2021. Collection method: clinical testing. Allele origin: germline. Affected: yes.
Comment: Not observed at a significant frequency in large population cohorts (Lek et al., 2016); Has not been previously published as pathogenic or benign to our knowledge; In-silico analysis, which includes splice predictors and evolutionary conservation, is inconclusive as to whether the variant alters gene splicing. In the absence of RNA/functional studies, the actual effect of this sequence change is unknown

Literature cited by the submitters: PubMed 17576681 (cited by Labcorp Genetics (formerly Invitae), Labcorp); PubMed 9536098 (cited by Labcorp Genetics (formerly Invitae), Labcorp).